The following is an entry in ClinVar:

ClinVar aggregate classification (germline): Uncertain significance (1 of 4 stars; one submission).

Allele frequency attached by ClinVar (database versions not stated): gnomAD exomes below 0.00001.
gnomAD v4.1: 6 of 1,594,952 alleles (0.00038%); highest among the groups gnomAD compares: Non-Finnish European, 0.00051%; no homozygotes.

Submission:

Labcorp Genetics (formerly Invitae), Labcorp
Classification: Uncertain significance. Last evaluated: 2022-07-09. Review status: criteria provided, single submitter. Criteria: Invitae Variant Classification Sherloc (09022015). Collection method: clinical testing. Allele origin: germline.
Comment: In summary, the available evidence is currently insufficient to determine the role of this variant in disease. Therefore, it has been classified as a Variant of Uncertain Significance. Algorithms developed to predict the effect of missense changes on protein structure and function output the following: SIFT: "Not Available"; PolyPhen-2: "Benign"; Align-GVGD: "Not Available". The valine amino acid residue is found in multiple mammalian species, which suggests that this missense change does not adversely affect protein function. This variant has not been reported in the literature in individuals affected with PDGFB-related conditions. This variant is not present in population databases (gnomAD no frequency). This sequence change replaces methionine, which is neutral and non-polar, with valine, which is neutral and non-polar, at codon 64 of the PDGFB protein (p.Met64Val).

NM_002608.4(PDGFB):c.190A>G (p.Met64Val)

Gene: PDGFB (platelet derived growth factor subunit B; minus strand). Cytogenetic location: 22q13.1.
Variant type: single nucleotide variant.
Coding change: c.190A>G on transcript NM_002608.4 (MANE Select); coding-DNA position 190, A replaced by G.
Protein change: p.Met64Val; replaces methionine 64 with valine.
Molecular consequence: missense variant.
Genome position (GRCh38, 1-based): chr22:39,233,495, T>C on the plus strand (A>G on the coding strand, the complement: PDGFB is on the minus strand). VCF-style: chr22-39233495-T-C. GRCh37 (hg19) VCF-style: chr22-39629500-T-C.
Other names: c.145A>G, p.Met49Val (NM_033016.3); short protein forms M64V, M49V.
Identifiers: ClinVar variation 1954342 (VCV001954342.5), dbSNP rs1668358897, ClinGen allele CA411602312.
Genomic context (GRCh38, chr22:39,233,495, plus strand): 5'-CCAGGCTCCTTCTTCCACGAGCCAAGCTCTCCAGCTCGCCTCCAGAGTGGGAGCGGGTCA[T>C]GTTCAGGTCCAACTCGGCCCCATCTTCCTCTGCAGGAGAAGTCACAGTCAGACACCAGGC-3'
Protein context (NP_002599.1, residues 54-74): EEDGAELDLN[Met64Val]TRSHSGGELE